The following is an entry in ClinVar:

NM_001204.7(BMPR2):c.2748T>C (p.Leu916=)

Gene: BMPR2 (bone morphogenetic protein receptor type 2; plus strand). Cytogenetic location: 2q33.2.
Variant type: single nucleotide variant.
Coding change: c.2748T>C on transcript NM_001204.7 (MANE Select); coding-DNA position 2748, T replaced by C.
Protein change: p.Leu916=; no amino-acid change (leucine 916 retained).
Molecular consequence: synonymous variant.
Genome position (GRCh38, 1-based): chr2:202,556,413, T>C. VCF-style: chr2-202556413-T-C. GRCh37 (hg19) VCF-style: chr2-203421136-T-C.
Other names: c.2748T>C (LRG_712t1).
Identifiers: ClinVar variation 333649 (VCV000333649.17), dbSNP rs16839188, ClinGen allele CA2061582.

ClinVar aggregate classification (germline): Benign/Likely benign. Review status: criteria provided, multiple submitters, no conflicts (2 of 4 stars). 4 submissions from 4 submitters: Benign (3); Likely benign (1). Last evaluated 2026-01-25.

Conditions:
Primary pulmonary hypertension. Also called: Idiopathic pulmonary hypertension. Identifiers: MedGen C0152171.
Inborn genetic diseases. Identifiers: MedGen C0950123, MeSH D030342.
Pulmonary hypertension, primary, 1 (PPH1). Also called: Pulmonary hypertension, familial primary, 1, with or without HHT. Identifiers: Orphanet 422, MedGen C4552070, MONDO:0024533, OMIM 178600.

Allele frequency attached by ClinVar (database versions not stated): gnomAD exomes 0.00035 and 0.00093; ExAC 0.00125; 1000 Genomes Project 0.00319; gnomAD 0.00371 and 0.00400; 1000 Genomes Project 30x 0.00375; TOPMed 0.00433; ESP Exome Variant Server 0.00484.
gnomAD v4.1: 1,067 of 1,614,132 alleles (0.066%); highest among the groups gnomAD compares: African/African-American, 1.3%; 14 homozygotes.

Submissions (4):

Labcorp Genetics (formerly Invitae), Labcorp
Classification: Benign for Primary pulmonary hypertension. Last evaluated: 2026-01-25. Review status: criteria provided, single submitter. Criteria: Invitae Variant Classification Sherloc (09022015). Collection method: clinical testing. Allele origin: germline.

Ambry Genetics
Classification: Likely benign for Inborn genetic diseases. Last evaluated: 2022-05-06. Review status: criteria provided, single submitter. Criteria: Ambry Variant Classification Scheme 2023. Collection method: clinical testing. Allele origin: germline.

Illumina Laboratory Services, Illumina
Classification: Benign for Pulmonary hypertension, primary, 1. Last evaluated: 2018-01-13. Review status: criteria provided, single submitter. Criteria: ICSL Variant Classification Criteria 13 December 2019. Collection method: clinical testing. Allele origin: germline.
Comment: This variant was observed in the ICSL laboratory as part of a predisposition screen in an ostensibly healthy population. It had not been previously curated by ICSL or reported in the Human Gene Mutation Database (HGMD: prior to June 1st, 2018), and was therefore a candidate for classification through an automated scoring system. Utilizing variant allele frequency, disease prevalence and penetrance estimates, and inheritance mode, an automated score was calculated to assess if this variant is too frequent to cause the disease. Based on the score and internal cut-off values, a variant classified as benign is not then subjected to further curation. The score for this variant resulted in a classification of benign for this disease.

Breakthrough Genomics
Classification: Benign. Review status: criteria provided, single submitter. Criteria: ACMG Guidelines, 2015. Collection method: not provided. Allele origin: germline. Inheritance: Autosomal dominant inheritance. Affected: yes.